The following is an entry in ClinVar:

ClinVar aggregate classification (germline): Likely benign. Review status: criteria provided, single submitter (1 of 4 stars). 2 submissions from 2 submitters: Likely benign (1). 1 of the submissions does not count toward it. Last evaluated 2024-02-16.

Conditions:
LMBRD1-related disorder. Also called: LMBRD1-related condition.
Methylmalonic aciduria and homocystinuria type cblF. Also called: COBALAMIN F DISEASE; COBALAMIN, DEFECT IN LYSOSOMAL RELEASE OF; METHYLMALONIC ACIDEMIA AND HOMOCYSTINURIA, cblF TYPE; METHYLMALONIC ACIDURIA DUE TO VITAMIN B12-RELEASE DEFECT; VITAMIN B12 LYSOSOMAL RELEASE DEFECT; VITAMIN B12 STORAGE DISEASE. Identifiers: Orphanet 79284, MedGen C1848578, MONDO:0010183, OMIM 277380.

Allele frequency attached by ClinVar (database versions not stated): gnomAD exomes 0.00002 and 0.00004; ExAC 0.00005.
gnomAD v4.1: 39 of 1,581,062 alleles (0.0025%); highest among the groups gnomAD compares: South Asian, 0.024%; no homozygotes.

Submissions (2):

Labcorp Genetics (formerly Invitae), Labcorp
Classification: Likely benign for Methylmalonic aciduria and homocystinuria type cblF. Last evaluated: 2024-02-16. Review status: criteria provided, single submitter. Criteria: Invitae Variant Classification Sherloc (09022015). Collection method: clinical testing. Allele origin: germline.

PreventionGenetics, part of Exact Sciences
Classification: Likely benign for LMBRD1-related condition. Last evaluated: 2019-08-12. Review status: no assertion criteria provided. Collection method: clinical testing. Allele origin: germline. Not counted in ClinVar's aggregate classification.
Comment: This variant is classified as likely benign based on ACMG/AMP sequence variant interpretation guidelines (Richards et al. 2015 PMID: 25741868, with internal and published modifications).

NM_018368.4(LMBRD1):c.918C>T (p.Ile306=)

Gene: LMBRD1 (LMBR1 domain containing 1; minus strand). Cytogenetic location: 6q13.
Variant type: single nucleotide variant.
Coding change: c.918C>T on transcript NM_018368.4 (MANE Select); coding-DNA position 918, C replaced by T.
Protein change: p.Ile306=; no amino-acid change (isoleucine 306 retained).
Molecular consequence: synonymous variant.
Genome position (GRCh38, 1-based): chr6:69,701,951, G>A on the plus strand (C>T on the coding strand, the complement: LMBRD1 is on the minus strand). VCF-style: chr6-69701951-G-A. GRCh37 (hg19) VCF-style: chr6-70411843-G-A.
Other names: c.699C>T, p.Ile233= (NM_001363722.2, NM_001367271.1, NM_001367272.1).
Identifiers: ClinVar variation 743007 (VCV000743007.8), dbSNP rs766287809, ClinGen allele CA3879739.